The following is an entry in ClinVar:

NM_015267.4(CUX2):c.4104G>A (p.Glu1368=)

Gene: CUX2 (cut like homeobox 2; plus strand). Cytogenetic location: 12q24.12.
Variant type: single nucleotide variant.
Coding change: c.4104G>A on transcript NM_015267.4 (MANE Select); coding-DNA position 4104, G replaced by A.
Protein change: p.Glu1368=; no amino-acid change (glutamic acid 1368 retained).
Molecular consequence: synonymous variant.
Genome position (GRCh38, 1-based): chr12:111,347,968, G>A. VCF-style: chr12-111347968-G-A. GRCh37 (hg19) VCF-style: chr12-111785772-G-A.
Other names: c.3918G>A, p.Glu1306= (NM_001370598.1).
Identifiers: ClinVar variation 2643315 (VCV002643315.24), dbSNP rs904975321, ClinGen allele CA243606142.
Genomic context (GRCh38, chr12:111,347,968, plus strand): 5'-CCTCCTTCCAGGTGGATCCACCCCAGACTGTCCCTCACTTCATCCCCAACAGGAGAGTGA[G>A]GCCGGGGAGCGACTTCACCCGGACCCTTTAAGTTTTAAGTCAGCCTCAGAGTCCTCACGC-3'
Protein context (NP_056082.2, residues 1358-1378): CPSLHPQQES[Glu1368=]AGERLHPDPL

ClinVar aggregate classification (germline): Likely benign (1 of 4 stars; one submission).

Submission:

CeGaT Center for Human Genetics Tuebingen
Classification: Likely benign. Last evaluated: 2022-08-01. Review status: criteria provided, single submitter. Criteria: CeGaT Center For Human Genetics Tuebingen Variant Classification Criteria Version 2. Collection method: clinical testing. Allele origin: germline. Affected: yes. Observed: 1 variant allele.
Comment: CUX2: PM2:Supporting, BP4, BP7